The following is an entry in ClinVar:

NM_001368894.2(PAX6):c.115C>G (p.Pro39Ala)

Gene: PAX6 (paired box 6; minus strand). Cytogenetic location: 11p13.
Variant type: single nucleotide variant.
Coding change: c.115C>G on transcript NM_001368894.2 (MANE Select); coding-DNA position 115, C replaced by G.
Protein change: p.Pro39Ala; replaces proline 39 with alanine.
Molecular consequence: missense variant. On other transcripts: 5 prime UTR variant (12), non-coding transcript variant (2), intron variant (2).
Genome position (GRCh38, 1-based): chr11:31,802,730, G>C on the plus strand (C>G on the coding strand, the complement: PAX6 is on the minus strand). VCF-style: chr11-31802730-G-C. GRCh37 (hg19) VCF-style: chr11-31824278-G-C.
Other names: c.115C>G, p.Pro39Ala (NM_000280.6, NM_001127612.3, NM_001258462.3 and 30 more transcripts); c.-667C>G (NM_001310160.2, NM_001368905.2); c.-336C>G (NM_001310161.3, NM_001368900.2, NM_001368903.2 and 2 more transcripts); c.-294C>G (NM_001368899.2, NM_001368901.2, NM_001368906.2 and 1 more transcripts); c.-625C>G (NM_001368902.2); c.358C>G, p.Pro120Ala (NM_001368910.2); c.118C>G, p.Pro40Ala (NM_001368911.2); c.-267-954C>G (NM_001368909.2, NM_001368904.2); short protein forms P39A, P40A, P120A.
Identifiers: ClinVar variation 2100032 (VCV002100032.4), dbSNP rs2496290000, ClinGen allele CA379959514.

ClinVar aggregate classification (germline): Uncertain significance (1 of 4 stars; one submission).

Conditions:
Aniridia 1 (AN1). Identifiers: Orphanet 250923, MedGen C0344542, MONDO:0024507, OMIM 106210.
Irido-corneo-trabecular dysgenesis (ASGD5). Also called: ANTERIOR SEGMENT DYSGENESIS 5. Identifiers: Orphanet 708, MedGen C0344559, MONDO:0011414, OMIM 604229, HP:0000659.

Submission:

Labcorp Genetics (formerly Invitae), Labcorp
Classification: Uncertain significance for Aniridia 1; Irido-corneo-trabecular dysgenesis. Last evaluated: 2022-06-10. Review status: criteria provided, single submitter. Criteria: Invitae Variant Classification Sherloc (09022015). Collection method: clinical testing. Allele origin: germline.
Comment: This sequence change replaces proline, which is neutral and non-polar, with alanine, which is neutral and non-polar, at codon 39 of the PAX6 protein (p.Pro39Ala). This variant is not present in population databases (gnomAD no frequency). In summary, the available evidence is currently insufficient to determine the role of this variant in disease. Therefore, it has been classified as a Variant of Uncertain Significance. Advanced modeling of protein sequence and biophysical properties (such as structural, functional, and spatial information, amino acid conservation, physicochemical variation, residue mobility, and thermodynamic stability) performed at Invitae indicates that this missense variant is expected to disrupt PAX6 protein function. This variant has not been reported in the literature in individuals affected with PAX6-related conditions.